The following is an entry in ClinVar:

NM_001256007.3(PNPLA8):c.1023G>A (p.Glu341=)

Gene: PNPLA8 (patatin like domain 8, phospholipase A2; minus strand). Cytogenetic location: 7q31.1.
Variant type: single nucleotide variant.
Coding change: c.1023G>A on transcript NM_001256007.3 (MANE Select); coding-DNA position 1023, G replaced by A.
Protein change: p.Glu341=; no amino-acid change (glutamic acid 341 retained).
Molecular consequence: synonymous variant.
Genome position (GRCh38, 1-based): chr7:108,514,469, C>T on the plus strand (G>A on the coding strand, the complement: PNPLA8 is on the minus strand). VCF-style: chr7-108514469-C-T. GRCh37 (hg19) VCF-style: chr7-108154913-C-T.
Other names: p.Glu341=; c.1023G>A, p.Glu341= (NM_001256008.3, NM_001256009.3, NM_015723.5); c.723G>A, p.Glu241= (NM_001256010.3, NM_001256011.3).
Identifiers: ClinVar variation 735238 (VCV000735238.35), dbSNP rs541866899, ClinGen allele CA4439711.

ClinVar aggregate classification (germline): Likely benign. Review status: criteria provided, multiple submitters, no conflicts (2 of 4 stars). 4 submissions from 4 submitters: Likely benign (4). Last evaluated 2026-06-01.

Allele frequency attached by ClinVar (database versions not stated): gnomAD 0.00072 and 0.00082; TOPMed 0.00078; 1000 Genomes Project 0.00080; 1000 Genomes Project 30x 0.00094; gnomAD exomes 0.00118; ExAC 0.00119.
gnomAD v4.1: 1,860 of 1,611,968 alleles (0.12%); highest among the groups gnomAD compares: South Asian, 0.18%; 3 homozygotes.

Submissions (4):

CeGaT Center for Human Genetics Tuebingen
Classification: Likely benign. Last evaluated: 2026-06-01. Review status: criteria provided, single submitter. Criteria: CeGaT Center For Human Genetics Tuebingen Variant Classification Criteria Version 2. Collection method: clinical testing. Allele origin: germline. Affected: yes. Observed: 4 variant alleles.
Comment: PNPLA8: BP4, BP7

Labcorp Genetics (formerly Invitae), Labcorp
Classification: Likely benign. Last evaluated: 2026-01-26. Review status: criteria provided, single submitter. Criteria: Invitae Variant Classification Sherloc (09022015). Collection method: clinical testing. Allele origin: germline.

Mayo Clinic Laboratories, Mayo Clinic
Classification: Likely benign. Last evaluated: 2025-03-26. Review status: criteria provided, single submitter. Criteria: ACMG Guidelines, 2015. Collection method: clinical testing. Allele origin: germline. Observed: 5 variant alleles.
Comment: BS1, BP4, BP7

Blueprint Genetics
Classification: Likely benign. Last evaluated: 2024-10-31. Review status: criteria provided, single submitter. Criteria: ACMG Guidelines, 2015. Collection method: clinical testing. Allele origin: germline.